The following is an entry in ClinVar:

NM_001379500.1(COL18A1):c.2693C>T (p.Pro898Leu)

Genes: COL18A1 (collagen type XVIII alpha 1 chain; plus strand), SLC19A1 (solute carrier family 19 member 1; minus strand). Cytogenetic location: 21q22.3.
Variant type: single nucleotide variant.
Coding change: c.2693C>T on transcript NM_001379500.1 (MANE Select); coding-DNA position 2693, C replaced by T.
Protein change: p.Pro898Leu; replaces proline 898 with leucine.
Molecular consequence: missense variant.
Genome position (GRCh38, 1-based): chr21:45,504,020, C>T. VCF-style: chr21-45504020-C-T. GRCh37 (hg19) VCF-style: chr21-46923934-C-T.
Other names: NM_130445.2:c.2693C>T; c.3233C>T, p.Pro1078Leu (NM_030582.4); c.3938C>T, p.Pro1313Leu (NM_130444.3); c.3233C>T (NM_030582.3); short protein forms P1078L, P1313L.
Identifiers: ClinVar variation 340254 (VCV000340254.10), dbSNP rs201753320, ClinGen allele CA10067394.
Genomic context (GRCh38, chr21:45,504,020, plus strand): 5'-GGCGCTGTCAGACACCACCTCAGCGAGACCCCGCCTGTCTCTCTCTTGCAGGGCAGTTTC[C>T]GTTTGACTTTCTTCAGTTGGAGGCTGAAATGAAGGTGGGTGACCTCCCTGTGGGGTTGGG-3'
Protein context (NP_001366429.1, residues 888-908): VGPPGPPGQF[Pro898Leu]FDFLQLEAEM

ClinVar aggregate classification (germline): Uncertain significance. Review status: criteria provided, multiple submitters, no conflicts (2 of 4 stars). 5 submissions from 5 submitters: Uncertain significance (5). Last evaluated 2026-09-01.

Conditions:
Hereditary glaucoma, primary closed-angle. Also called: Glaucoma, primary closed-angle. Identifiers: MedGen C5394374, MONDO:0030038, OMIM 618880.
Knobloch syndrome 1 (KNO1). Identifiers: MedGen C4551775, MONDO:0800167, OMIM 267750.
Knobloch syndrome (KNO). Also called: RETINAL DETACHMENT AND OCCIPITAL ENCEPHALOCELE; Myopia retinal detachment encephalocele. Identifiers: Orphanet 1571, MedGen C1849409, MONDO:0800166.
COL18A1-related disorder. Also called: COL18A1-related condition; COL18A1-related disorders.

Allele frequency attached by ClinVar (database versions not stated): 1000 Genomes Project 30x 0.00016; TOPMed 0.00025; gnomAD 0.00026; ESP Exome Variant Server 0.00033.
gnomAD v4.1: 733 of 1,613,632 alleles (0.045%); highest among the groups gnomAD compares: Non-Finnish European, 0.057%; 1 homozygote.

Submissions (5):

PreventionGenetics, part of Exact Sciences
Classification: Uncertain significance for COL18A1-related condition. Last evaluated: 2026-09-01. Review status: criteria provided, single submitter. Criteria: ACMG Guidelines, 2015. Collection method: clinical testing. Allele origin: germline.
Comment: The COL18A1 c.3233C>T variant is predicted to result in the amino acid substitution p.Pro1078Leu. To our knowledge, this variant has not been reported in the literature. This variant is reported in 0.048% of alleles in individuals of European (Non-Finnish) descent in gnomAD. At this time, the clinical significance of this variant is uncertain due to the absence of conclusive functional and genetic evidence.

Blueprint Genetics
Classification: Uncertain significance. Last evaluated: 2024-10-14. Review status: criteria provided, single submitter. Criteria: ACMG Guidelines, 2015. Collection method: clinical testing. Allele origin: germline.

Labcorp Genetics (formerly Invitae), Labcorp
Classification: Uncertain significance. Last evaluated: 2022-10-17. Review status: criteria provided, single submitter. Criteria: Invitae Variant Classification Sherloc (09022015). Collection method: clinical testing. Allele origin: germline.
Comment: This sequence change replaces proline, which is neutral and non-polar, with leucine, which is neutral and non-polar, at codon 898 of the COL18A1 protein (p.Pro898Leu). This variant is present in population databases (rs201753320, gnomAD 0.05%). This variant has not been reported in the literature in individuals affected with COL18A1-related conditions. ClinVar contains an entry for this variant (Variation ID: 340254). Experimental studies and prediction algorithms are not available or were not evaluated, and the functional significance of this variant is currently unknown. In summary, the available evidence is currently insufficient to determine the role of this variant in disease. Therefore, it has been classified as a Variant of Uncertain Significance.

Fulgent Genetics
Classification: Uncertain significance for Knobloch syndrome 1; Hereditary glaucoma, primary closed-angle. Last evaluated: 2021-07-06. Review status: criteria provided, single submitter. Criteria: ACMG Guidelines, 2015. Collection method: clinical testing. Allele origin: unknown.

Illumina Laboratory Services, Illumina
Classification: Uncertain significance for Knobloch syndrome 1. Last evaluated: 2018-01-13. Review status: criteria provided, single submitter. Criteria: ICSL Variant Classification Criteria 13 December 2019. Collection method: clinical testing. Allele origin: germline.